The following is an entry in ClinVar:

ClinVar aggregate classification (germline): Uncertain significance (1 of 4 stars; one submission).

Conditions:
Mucopolysaccharidosis, MPS-III-B (MPS3B). Also called: N-ACETYL-ALPHA-D-GLUCOSAMINIDASE DEFICIENCY; NAGLU DEFICIENCY; SANFILIPPO SYNDROME B; MPS III B; Mucopolysaccharidosis type IIIB (Sanfilippo B); MPS IIIB (Sanfilippo Syndrome Type B). Identifiers: Orphanet 79270, MedGen C0086648, MONDO:0009656, OMIM 252920.
Charcot-Marie-Tooth disease axonal type 2V. Also called: CHARCOT-MARIE-TOOTH NEUROPATHY, TYPE 2V; CHARCOT-MARIE-TOOTH DISEASE, AXONAL, AUTOSOMAL DOMINANT, TYPE 2V. Identifiers: Orphanet 447964, MedGen C5569050, MONDO:0014665, OMIM 616491.

Submission:

Labcorp Genetics (formerly Invitae), Labcorp
Classification: Uncertain significance for Charcot-Marie-Tooth disease axonal type 2V; Mucopolysaccharidosis, MPS-III-B. Last evaluated: 2023-10-26. Review status: criteria provided, single submitter. Criteria: Invitae Variant Classification Sherloc (09022015). Collection method: clinical testing. Allele origin: germline.
Comment: This sequence change affects codon 255 of the NAGLU mRNA. It is a 'silent' change, meaning that it does not change the encoded amino acid sequence of the NAGLU protein. It affects a nucleotide within the consensus splice site. This variant is not present in population databases (gnomAD no frequency). This variant has not been reported in the literature in individuals affected with NAGLU-related conditions. ClinVar contains an entry for this variant (Variation ID: 1999667). Algorithms developed to predict the effect of sequence changes on RNA splicing suggest that this variant is not likely to affect RNA splicing. In summary, the available evidence is currently insufficient to determine the role of this variant in disease. Therefore, it has been classified as a Variant of Uncertain Significance.

NM_000263.4(NAGLU):c.763A>C (p.Arg255=)

Gene: NAGLU (N-acetyl-alpha-glucosaminidase; plus strand). Cytogenetic location: 17q21.2.
Variant type: single nucleotide variant.
Coding change: c.763A>C on transcript NM_000263.4 (MANE Select); coding-DNA position 763, A replaced by C.
Protein change: p.Arg255=; no amino-acid change (arginine 255 retained).
Molecular consequence: synonymous variant.
Genome position (GRCh38, 1-based): chr17:42,538,754, A>C. VCF-style: chr17-42538754-A-C. GRCh37 (hg19) VCF-style: chr17-40690772-A-C.
Identifiers: ClinVar variation 1999667 (VCV001999667.4), dbSNP rs2510653962, ClinGen allele CA399599149.